The following is an entry in ClinVar:

ClinVar aggregate classification (germline): Uncertain significance. Review status: criteria provided, multiple submitters, no conflicts (2 of 4 stars). 2 submissions from 2 submitters: Uncertain significance (2). Last evaluated 2025-12-29.

Conditions:
Emery-Dreifuss muscular dystrophy 5, autosomal dominant (EDMD5). Also called: EMERY-DREIFUSS MUSCULAR DYSTROPHY 5. Identifiers: Orphanet 261, MedGen C2751805, MONDO:0013072, OMIM 612999.

Allele frequency attached by ClinVar (database versions not stated): gnomAD 0.00001; gnomAD exomes 0.00001; TOPMed 0.00001; ExAC 0.00002.
gnomAD v4.1: 11 of 1,613,994 alleles (0.00068%); highest among the groups gnomAD compares: African/African-American, 0.0027%; no homozygotes.

Submissions (2):

Labcorp Genetics (formerly Invitae), Labcorp
Classification: Uncertain significance for Emery-Dreifuss muscular dystrophy 5, autosomal dominant. Last evaluated: 2025-12-29. Review status: criteria provided, single submitter. Criteria: Invitae Variant Classification Sherloc (09022015). Collection method: clinical testing. Allele origin: germline.
Comment: This sequence change replaces asparagine, which is neutral and polar, with serine, which is neutral and polar, at codon 149 of the SYNE2 protein (p.Asn149Ser). This variant is present in population databases (rs761204935, gnomAD 0.006%). This variant has not been reported in the literature in individuals affected with SYNE2-related conditions. ClinVar contains an entry for this variant (Variation ID: 2956979). An algorithm developed to predict the effect of missense changes on protein structure and function outputs the following: PolyPhen-2: "Benign". The serine amino acid residue is found in multiple mammalian species, which suggests that this missense change does not adversely affect protein function. Algorithms developed to predict the effect of sequence changes on RNA splicing suggest that this variant may create or strengthen a splice site. In summary, the available evidence is currently insufficient to determine the role of this variant in disease. Therefore, it has been classified as a Variant of Uncertain Significance.

Fulgent Genetics
Classification: Uncertain significance for Emery-Dreifuss muscular dystrophy 5, autosomal dominant. Last evaluated: 2024-04-11. Review status: criteria provided, single submitter. Criteria: ACMG Guidelines, 2015. Collection method: clinical testing. Allele origin: germline.

NM_182914.3(SYNE2):c.446A>G (p.Asn149Ser)

Gene: SYNE2 (spectrin repeat containing nuclear envelope protein 2; plus strand). Cytogenetic location: 14q23.2.
Variant type: single nucleotide variant.
Coding change: c.446A>G on transcript NM_182914.3 (MANE Select); coding-DNA position 446, A replaced by G.
Protein change: p.Asn149Ser; replaces asparagine 149 with serine.
Molecular consequence: missense variant.
Genome position (GRCh38, 1-based): chr14:63,949,862, A>G. VCF-style: chr14-63949862-A-G. GRCh37 (hg19) VCF-style: chr14-64416580-A-G.
Other names: c.446A>G, p.Asn149Ser (NM_015180.6); short protein forms N149S.
Identifiers: ClinVar variation 2956979 (VCV002956979.4), dbSNP rs761204935, ClinGen allele CA7219116.
Genomic context (GRCh38, chr14:63,949,862, plus strand): 5'-TAAGTCTACTTTGCCTTCCTTAGATTGAGAAGCTTGCCCAGACTCTTTCTTGCAATTACA[A>G]TCAGCCTTCCCTGGATGATGTGAGTGTGGTTGACTCATCTCCTGCCTCAAGTCCTCCAGC-3'
Protein context (NP_878918.2, residues 139-159): KLAQTLSCNY[Asn149Ser]QPSLDDVSVV